The following is an entry in ClinVar:

NM_032444.4(SLX4):c.2816G>A (p.Arg939Gln)

Gene: SLX4 (SLX4 structure-specific endonuclease subunit; minus strand). Cytogenetic location: 16p13.3.
Variant type: single nucleotide variant.
Coding change: c.2816G>A on transcript NM_032444.4 (MANE Select); coding-DNA position 2816, G replaced by A.
Protein change: p.Arg939Gln; replaces arginine 939 with glutamine.
Molecular consequence: missense variant.
Genome position (GRCh38, 1-based): chr16:3,590,822, C>T on the plus strand (G>A on the coding strand, the complement: SLX4 is on the minus strand). VCF-style: chr16-3590822-C-T. GRCh37 (hg19) VCF-style: chr16-3640823-C-T.
Other names: short protein forms R939Q.
Identifiers: ClinVar variation 3712480 (VCV003712480.2).
Genomic context (GRCh38, chr16:3,590,822, plus strand): 5'-GAGCAGCTGGAATGGCCAAGCGCCTCCTCTGGCGCCTCCTGCTCAGGGGCCTCTGCTCCC[C>T]GTGCCCCTGAGTGCTGGCCCTGGGGTGGCGGGAGAGCGCACTGTCCCATCTTCTCCCAGG-3'
Protein context (NP_115820.2, residues 929-949): PPPQGQHSGA[Arg939Gln]GAEAPEQEAP

ClinVar aggregate classification (germline): Uncertain significance (1 of 4 stars; one submission).

Conditions:
Fanconi anemia (FA). Also called: Fanconi's anemia. Identifiers: Orphanet 84, MedGen C0015625, MeSH D005199, MONDO:0019391.

Submission:

Labcorp Genetics (formerly Invitae), Labcorp
Classification: Uncertain significance for Fanconi anemia. Last evaluated: 2024-04-13. Review status: criteria provided, single submitter. Criteria: Invitae Variant Classification Sherloc (09022015). Collection method: clinical testing. Allele origin: germline.
Comment: This sequence change replaces arginine, which is basic and polar, with glutamine, which is neutral and polar, at codon 939 of the SLX4 protein (p.Arg939Gln). This variant is present in population databases (rs768474876, gnomAD 0.006%). This variant has not been reported in the literature in individuals affected with SLX4-related conditions. An algorithm developed to predict the effect of missense changes on protein structure and function (PolyPhen-2) suggests that this variant is likely to be tolerated. In summary, the available evidence is currently insufficient to determine the role of this variant in disease. Therefore, it has been classified as a Variant of Uncertain Significance.